The following is an entry in ClinVar:

NM_014249.4(NR2E3):c.119-8C>T

Gene: NR2E3 (nuclear receptor subfamily 2 group E member 3; plus strand). Cytogenetic location: 15q23.
Variant type: single nucleotide variant.
Coding change: c.119-8C>T on transcript NM_014249.4 (MANE Select); 8 bases into the intron before coding-DNA position 119, C replaced by T.
Molecular consequence: intron variant.
Genome position (GRCh38, 1-based): chr15:71,811,475, C>T. VCF-style: chr15-71811475-C-T. GRCh37 (hg19) VCF-style: chr15-72103815-C-T.
Other names: c.119-8C>T (NM_016346.4).
Identifiers: ClinVar variation 317004 (VCV000317004.38), dbSNP rs373874970, ClinGen allele CA7640210.
Genomic context (GRCh38, chr15:71,811,475, plus strand): 5'-GGAGGGGAGCGTGCAGCCCTGCCCCGGCCCAGCCCTGCCCTGGCCCAGCCCTGCCCCCTG[C>T]CCCTCAGGCGTGAGCCCCTCGCTCCAGTGCCGCGTGTGCGGAGACAGCAGCAGCGGGAAG-3'

ClinVar aggregate classification (germline): Conflicting classifications of pathogenicity. Review status: criteria provided, conflicting classifications (1 of 4 stars). 6 submissions from 5 submitters: Uncertain significance (3); Likely benign (2). 1 of the submissions does not count toward it. Last evaluated 2026-01-28.

Conditions:
Enhanced S-cone syndrome (ESCS). Identifiers: Orphanet 53540, MedGen C1849394, MONDO:0100288, MONDO:0009989.
Retinitis pigmentosa (RP). Identifiers: Orphanet 791, MedGen C0035334, MeSH D012174, MONDO:0019200, OMIM 268000. Inheritance: Autosomal dominant, autosomal recessive and X linked inheritance.

Allele frequency attached by ClinVar (database versions not stated): gnomAD exomes 0.00003 and 0.00004; TOPMed 0.00003; gnomAD 0.00006 and 0.00007; ExAC 0.00016; ESP Exome Variant Server 0.00025.

Submissions (6):

Labcorp Genetics (formerly Invitae), Labcorp
Classification: Likely benign. Last evaluated: 2026-01-28. Review status: criteria provided, single submitter. Criteria: Invitae Variant Classification Sherloc (09022015). Collection method: clinical testing. Allele origin: germline.

CeGaT Center for Human Genetics Tuebingen
Classification: Uncertain significance. Last evaluated: 2024-01-01. Review status: criteria provided, single submitter. Criteria: CeGaT Center For Human Genetics Tuebingen Variant Classification Criteria Version 2. Collection method: clinical testing. Allele origin: germline. Affected: yes. Observed: 1 variant allele.
Comment: NR2E3: PM2, BP4

Blueprint Genetics
Classification: Likely benign. Last evaluated: 2023-02-10. Review status: criteria provided, single submitter. Criteria: ACMG Guidelines, 2015. Collection method: clinical testing. Allele origin: germline.

Illumina Laboratory Services, Illumina
Classification: Uncertain significance for ENHANCED S-CONE SYNDROME 1. Last evaluated: 2018-01-12. Review status: criteria provided, single submitter. Criteria: ICSL Variant Classification Criteria 13 December 2019. Collection method: clinical testing. Allele origin: germline.

Illumina Laboratory Services, Illumina
Classification: Uncertain significance for Retinitis pigmentosa. Last evaluated: 2018-01-12. Review status: criteria provided, single submitter. Criteria: ICSL Variant Classification Criteria 13 December 2019. Collection method: clinical testing. Allele origin: germline.

Natera, Inc.
Classification: Uncertain significance for Enhanced S cone syndrome. Last evaluated: 2020-04-17. Review status: no assertion criteria provided. Collection method: clinical testing. Allele origin: germline. Not counted in ClinVar's aggregate classification.